The following is an entry in ClinVar:

ClinVar aggregate classification (germline): Pathogenic. Review status: criteria provided, multiple submitters, no conflicts (2 of 4 stars). 2 submissions from 2 submitters: Pathogenic (2). Last evaluated 2023-05-10.

Conditions:
Hereditary cancer-predisposing syndrome. Also called: Neoplastic Syndromes, Hereditary; Tumor predisposition; Hereditary Cancer Syndrome; Hereditary neoplastic syndrome. Identifiers: Orphanet 140162, MedGen C0027672, MeSH D009386, MONDO:0015356.
Familial adenomatous polyposis 1 (FAP1). Also called: FAMILIAL ADENOMATOUS POLYPOSIS 1, ATTENUATED; POLYPOSIS, ADENOMATOUS INTESTINAL. Identifiers: MedGen C2713442, MONDO:0021056, OMIM 175100. Disease mechanism: loss of function.

Submissions (2):

Myriad Genetics, Inc.
Classification: Pathogenic for Familial adenomatous polyposis 1. Last evaluated: 2023-05-10. Review status: criteria provided, single submitter. Criteria: Myriad Autosomal Dominant, Autosomal Recessive and X-Linked Classification Criteria (2023). Collection method: clinical testing. Allele origin: unknown.
Comment: This variant is considered pathogenic. This variant creates a frameshift predicted to result in premature protein truncation.

Ambry Genetics
Classification: Pathogenic for Hereditary cancer-predisposing syndrome. Last evaluated: 2022-08-16. Review status: criteria provided, single submitter. Criteria: Ambry Variant Classification Scheme 2023. Collection method: clinical testing. Allele origin: germline.
Comment: The c.4090dupA pathogenic mutation, located in coding exon 15 of the APC gene, results from a duplication of A at nucleotide position 4090, causing a translational frameshift with a predicted alternate stop codon (p.S1364Kfs*11). This alteration has been observed in at least one individual with a personal and/or family history that is consistent with APC-related disease (Ambry internal data). This variant is considered to be rare based on population cohorts in the Genome Aggregation Database (gnomAD). This alteration occurs at the 3' terminus of theAPC gene, is not expected to trigger nonsense-mediated mRNA decay, and only impacts the last 1480 amino acids of the protein. However, premature stop codons are typically deleterious in nature and a significant portion of the protein is affected (Ambry internal data). Based on the supporting evidence, this alteration is interpreted as a disease-causing mutation.

NM_000038.6(APC):c.4090dup (p.Ser1364fs)

Gene: APC (APC regulator of Wnt signaling pathway; plus strand). Cytogenetic location: 5q22.2.
Variant type: Duplication.
Coding change: c.4090dup on transcript NM_000038.6 (MANE Select); coding-DNA position 4090, one base duplicated (A; older notation c.4090dupA).
Protein change: p.Ser1364fs; shifts the reading frame from serine 1364.
Molecular consequence: frameshift variant.
Genome position (GRCh38, 1-based): chr5:112,839,684, A duplicated; the last of 4 consecutive A bases (chr5:112,839,681-112,839,684); duplicating any one gives the same sequence. VCF-style (leftmost placement, unchanged base first): chr5-112839680-C-CA. GRCh37 (hg19) VCF-style: chr5-112175377-C-CA.
Other names: c.4015dup, p.Ser1339fs (NM_001354898.2); c.4006dup, p.Ser1336fs (NM_001354899.2); c.4036dup, p.Ser1346fs (NM_001127511.3); c.4120dup, p.Ser1374fs (NM_001354897.2); c.3967dup, p.Ser1323fs (NM_001354900.2); c.4090dup, p.Ser1364fs (NM_001354895.2, NM_001127510.3); c.4144dup, p.Ser1382fs (NM_001354896.2); c.3913dup, p.Ser1305fs (NM_001354901.2); and 16 more; short protein forms S1305fs, S1263fs, S1204fs, S1336fs, S1339fs, S1346fs, S1364fs, S1382fs.
Identifiers: ClinVar variation 1737745 (VCV001737745.4), dbSNP rs2533547320, ClinGen allele CA645543725.
Genomic context (GRCh38, chr5:112,839,680, plus strand): 5'-ATCTTCAGAATCAGCCAGGCACAAAGCTGTTGAATTTTCTTCAGGAGCGAAATCTCCCTC[C>CA]AAAAGTGGTGCTCAGACACCCAAAAGTCCACCTGAACACTATGTTCAGGAGACCCCACTC-3'